The following is an entry in ClinVar:

ClinVar aggregate classification (germline): Uncertain significance (1 of 4 stars; one submission).

Conditions:
Neuronopathy, distal hereditary motor, autosomal recessive 4. Also called: NEUROPATHY, DISTAL HEREDITARY MOTOR, AUTOSOMAL RECESSIVE 4; Autosomal recessive lower motor neuron disease with childhood onset. Identifiers: Orphanet 206580, MedGen C1970211, MONDO:0012608, OMIM 611067.
Charcot-Marie-Tooth disease recessive intermediate C. Also called: CHARCOT-MARIE-TOOTH NEUROPATHY, RECESSIVE INTERMEDIATE C. Identifiers: Orphanet 369867, MedGen C3809309, MONDO:0014154, OMIM 615376.

Submission:

Labcorp Genetics (formerly Invitae), Labcorp
Classification: Uncertain significance for Neuronopathy, distal hereditary motor, autosomal recessive 4; Charcot-Marie-Tooth disease recessive intermediate C. Last evaluated: 2022-07-11. Review status: criteria provided, single submitter. Criteria: Invitae Variant Classification Sherloc (09022015). Collection method: clinical testing. Allele origin: germline.
Comment: In summary, the available evidence is currently insufficient to determine the role of this variant in disease. Therefore, it has been classified as a Variant of Uncertain Significance. Algorithms developed to predict the effect of sequence changes on RNA splicing suggest that this variant may disrupt the consensus splice site. This variant has not been reported in the literature in individuals affected with PLEKHG5-related conditions. This variant is not present in population databases (gnomAD no frequency). This sequence change falls in intron 11 of the PLEKHG5 gene. It does not directly change the encoded amino acid sequence of the PLEKHG5 protein.

NM_020631.6(PLEKHG5):c.1131+18_1131+34del

Gene: PLEKHG5 (pleckstrin homology and RhoGEF domain containing G5; minus strand). Cytogenetic location: 1p36.31.
Variant type: Deletion.
Coding change: c.1131+18_1131+34del on transcript NM_020631.6 (MANE Select); bases 18 to 34 of the intron after coding-DNA position 1131, 17 bases deleted (GGCGGCGGCGGGTGAGG).
Molecular consequence: intron variant.
Genome position (GRCh38, 1-based): chr1:6,471,724-6,471,740, CCTCACCCGCCGCCGCC deleted on the plus strand (GGCGGCGGCGGGTGAGG on the coding strand, the reverse complement: PLEKHG5 is on the minus strand); deleting any 17 consecutive bases within chr1:6,471,724-6,471,742 gives the same sequence; the c. name uses the placement nearest the transcript's 3' end. VCF-style (leftmost placement, unchanged base first): chr1-6471723-ACCTCACCCGCCGCCGCC-A. GRCh37 (hg19) VCF-style: chr1-6531783-ACCTCACCCGCCGCCGCC-A.
Other names: c.1131+18_1131+34del (NM_198681.4, NM_001265594.3, NM_001042664.2 and 1 more transcripts); c.1242+18_1242+34del (NM_001042663.3, NM_001265592.2); c.1338+18_1338+34del (NM_001265593.2).
Identifiers: ClinVar variation 2016230 (VCV002016230.4), dbSNP rs2523172165, ClinGen allele CA2580062668.